The following is an entry in ClinVar:

ClinVar aggregate classification (germline): Conflicting classifications of pathogenicity. Review status: criteria provided, conflicting classifications (1 of 4 stars). 2 submissions from 2 submitters: Uncertain significance (1); Likely benign (1). Last evaluated 2026-02-01.

Conditions:
Idiopathic generalized epilepsy. Also called: Generalised epilepsy; EIG. Identifiers: MedGen C0270850, MONDO:0005579, OMIM 600669.
Hyperaldosteronism, familial, type IV (HALD4). Also called: FH IV; ALDOSTERONISM, PRIMARY, AND HYPERTENSION. Identifiers: Orphanet 642671, MedGen C4310756, MONDO:0014875, OMIM 617027.

Allele frequency attached by ClinVar (database versions not stated): ExAC 0.00002; gnomAD exomes 0.00002 and 0.00006; gnomAD 0.00003 and 0.00004; TOPMed 0.00003; ESP Exome Variant Server 0.00008.
gnomAD v4.1: 89 of 1,582,458 alleles (0.0056%); highest among the groups gnomAD compares: Non-Finnish European, 0.0074%; no homozygotes.

Submissions (2):

Labcorp Genetics (formerly Invitae), Labcorp
Classification: Uncertain significance for Idiopathic generalized epilepsy; Hyperaldosteronism, familial, type IV. Last evaluated: 2026-02-01. Review status: criteria provided, single submitter. Criteria: Invitae Variant Classification Sherloc (09022015). Collection method: clinical testing. Allele origin: germline.
Comment: This sequence change falls in intron 15 of the CACNA1H gene. It does not directly change the encoded amino acid sequence of the CACNA1H protein. It affects a nucleotide within the consensus splice site. This variant is present in population databases (rs374267602, gnomAD 0.006%). This variant has been observed in individual(s) with clinical features of CACNA1H-related conditions (internal data). ClinVar contains an entry for this variant (Variation ID: 582471). Variants that disrupt the consensus splice site are a relatively common cause of aberrant splicing (PMID: 17576681, 9536098). Algorithms developed to predict the effect of sequence changes on RNA splicing suggest that this variant is not likely to affect RNA splicing. In summary, the available evidence is currently insufficient to determine the role of this variant in disease. Therefore, it has been classified as a Variant of Uncertain Significance.

Blueprint Genetics
Classification: Likely benign. Last evaluated: 2024-11-19. Review status: criteria provided, single submitter. Criteria: ACMG Guidelines, 2015. Collection method: clinical testing. Allele origin: germline.

Literature cited by the submitters: PubMed 17576681 (cited by Labcorp Genetics (formerly Invitae), Labcorp); PubMed 9536098 (cited by Labcorp Genetics (formerly Invitae), Labcorp).

NM_021098.3(CACNA1H):c.3154+3G>A

Gene: CACNA1H (calcium voltage-gated channel subunit alpha1 H; plus strand). Cytogenetic location: 16p13.3.
Variant type: single nucleotide variant.
Coding change: c.3154+3G>A on transcript NM_021098.3 (MANE Select); 3 bases into the intron after coding-DNA position 3154, G replaced by A.
Molecular consequence: intron variant.
Genome position (GRCh38, 1-based): chr16:1,207,863, G>A. VCF-style: chr16-1207863-G-A. GRCh37 (hg19) VCF-style: chr16-1257863-G-A.
Other names: c.3154+3G>A (NM_001005407.2).
Identifiers: ClinVar variation 582471 (VCV000582471.6), dbSNP rs374267602, ClinGen allele CA7800632.